The following is an entry in ClinVar:

ClinVar aggregate classification (germline): Conflicting classifications of pathogenicity. Review status: criteria provided, conflicting classifications (1 of 4 stars). 2 submissions from 2 submitters: Uncertain significance (1); Likely benign (1). Last evaluated 2023-03-28.

Allele frequency attached by ClinVar (database versions not stated): gnomAD below 0.00001 and 0.00001; TOPMed 0.00001; gnomAD exomes 0.00002 and 0.00004; ExAC 0.00005; ESP Exome Variant Server 0.00008.
gnomAD v4.1: 35 of 1,613,834 alleles (0.0022%); highest among the groups gnomAD compares: South Asian, 0.014%; no homozygotes.

Submissions (2):

Ambry Genetics
Classification: Likely benign. Last evaluated: 2023-03-28. Review status: criteria provided, single submitter. Criteria: Ambry Variant Classification Scheme 2023. Collection method: clinical testing. Allele origin: germline.

ARUP Laboratories, Molecular Genetics and Genomics, ARUP Laboratories
Classification: Uncertain significance. Last evaluated: 2018-04-06. Review status: criteria provided, single submitter. Criteria: ARUP Molecular Germline Variant Investigation Process. Collection method: clinical testing. Allele origin: germline.
Comment: The ATPAF2 c.680G>A; p.Arg227His variant (rs148095363), to our knowledge, is not reported in the medical literature, gene specific variation databases, nor has it been previously identified by our laboratory. This variant is listed in the genome Aggregation Database (gnomAD) with an overall population frequency of 0.004% (identified on 10 out of 245,710 chromosomes). The arginine at position 227 is weakly conserved, considering 11 species, and computational analyses of the effects of the p.Arg227His variant on protein structure and function do not predict a deleterious effect (SIFT: tolerated, PolyPhen-2: benign). Based on the available information, the clinical significance of the p.Arg227His variant cannot be determined with certainty.

NM_145691.4(ATPAF2):c.680G>A (p.Arg227His)

Gene: ATPAF2 (ATP synthase mitochondrial F1 complex assembly factor 2; minus strand). Cytogenetic location: 17p11.2.
Variant type: single nucleotide variant.
Coding change: c.680G>A on transcript NM_145691.4 (MANE Select); coding-DNA position 680, G replaced by A.
Protein change: p.Arg227His; replaces arginine 227 with histidine.
Molecular consequence: missense variant.
Genome position (GRCh38, 1-based): chr17:18,021,175, C>T on the plus strand (G>A on the coding strand, the complement: ATPAF2 is on the minus strand). VCF-style: chr17-18021175-C-T. GRCh37 (hg19) VCF-style: chr17-17924489-C-T.
Other names: short protein forms R227H.
Identifiers: ClinVar variation 618543 (VCV000618543.11), dbSNP rs148095363, ClinGen allele CA8421780.